The following is an entry in ClinVar:

ClinVar aggregate classification (germline): Conflicting classifications of pathogenicity. Review status: criteria provided, conflicting classifications (1 of 4 stars). 8 submissions from 8 submitters: Uncertain significance (5); Likely benign (2). 1 of the submissions does not count toward it. Last evaluated 2026-01-17.

Conditions:
CYP27B1-related disorder. Also called: CYP27B1-related condition.
Vitamin D-dependent rickets, type 1A. Also called: VITAMIN D HYDROXYLATION-DEFICIENT RICKETS, TYPE 1A; PDDR IA; PSEUDOVITAMIN D-DEFICIENCY RICKETS, TYPE IA. Identifiers: MedGen CN283242, MONDO:0020723, OMIM 264700.
Vitamin D-dependent rickets, type 1 (VDD1). Also called: VITAMIN D DEPENDENCY, TYPE 1. Identifiers: Orphanet 289157, MedGen C0268689, MONDO:0009924.

Allele frequency attached by ClinVar (database versions not stated): ESP Exome Variant Server 0.00023; TOPMed 0.00033; gnomAD 0.00061.
gnomAD v4.1: 767 of 1,614,102 alleles (0.048%); highest among the groups gnomAD compares: Non-Finnish European, 0.053%; 1 homozygote.

Submissions (8):

Labcorp Genetics (formerly Invitae), Labcorp
Classification: Likely benign. Last evaluated: 2026-01-17. Review status: criteria provided, single submitter. Criteria: Invitae Variant Classification Sherloc (09022015). Collection method: clinical testing. Allele origin: germline.

Women's Health and Genetics/Laboratory Corporation of America, LabCorp
Classification: Likely benign. Last evaluated: 2025-01-22. Review status: criteria provided, single submitter. Criteria: LabCorp Variant Classification Summary - May 2015. Collection method: clinical testing. Allele origin: germline.
Comment: Variant summary: CYP27B1 c.1057C>G (p.Pro353Ala) results in a non-conservative amino acid change located in the Cytochrome P450 (IPR001128) of the encoded protein sequence. Four of five in-silico tools predict a benign effect of the variant on protein function. The variant allele was found at a frequency of 0.00048 in 1614102 control chromosomes, predominantly at a frequency of 0.0018 within the Finnish subpopulation in the gnomAD database (v4). The observed variant frequency within Finnish control individuals in the gnomAD database is approximately 2 fold of the estimated maximal expected allele frequency for a pathogenic variant in CYP27B1 causing Vitamin D-dependent rickets phenotype (0.0011). To our knowledge, no occurrence of c.1057C>G in individuals affected with Vitamin D-dependent rickets and no experimental evidence demonstrating its impact on protein function have been reported. ClinVar contains an entry for this variant (Variation ID: 309997). Based on the evidence outlined above, the variant was classified as likely benign.

ARUP Laboratories, Molecular Genetics and Genomics, ARUP Laboratories
Classification: Uncertain significance for Vitamin D-dependent rickets, type 1A. Last evaluated: 2023-03-22. Review status: criteria provided, single submitter. Criteria: ARUP Molecular Germline Variant Investigation Process 2024. Collection method: clinical testing. Allele origin: germline.
Comment: The CYP27B1 c.1057C>G; p.Pro353Ala variant (rs151335249), to our knowledge, is not reported in the medical literature but is reported in ClinVar (Variation ID: 309997). This variant is found in the general population with an overall allele frequency of 0.043% (123/282876 alleles) in the Genome Aggregation Database. Computational analyses predict that this variant is neutral (REVEL: 0.084). Due to limited information, the clinical significance of this variant is uncertain at this time.

Revvity Omics, Revvity
Classification: Uncertain significance for Vitamin D-dependent rickets, type 1A. Last evaluated: 2023-02-08. Review status: criteria provided, single submitter. Criteria: ACMG Guidelines, 2015. Collection method: clinical testing. Allele origin: germline.

GeneDx
Classification: Uncertain significance. Last evaluated: 2022-08-24. Review status: criteria provided, single submitter. Criteria: GeneDx Variant Classification Process June 2021. Collection method: clinical testing. Allele origin: germline. Affected: yes.
Comment: In silico analysis supports that this missense variant does not alter protein structure/function; Has not been previously published as pathogenic or benign to our knowledge

Fulgent Genetics
Classification: Uncertain significance for Vitamin D-dependent rickets, type 1A. Last evaluated: 2022-03-21. Review status: criteria provided, single submitter. Criteria: ACMG Guidelines, 2015. Collection method: clinical testing. Allele origin: unknown.

Illumina Laboratory Services, Illumina
Classification: Uncertain significance for Vitamin D-dependent rickets, type 1A. Last evaluated: 2018-01-12. Review status: criteria provided, single submitter. Criteria: ICSL Variant Classification Criteria 13 December 2019. Collection method: clinical testing. Allele origin: germline.

PreventionGenetics, part of Exact Sciences
Classification: Likely benign for CYP27B1-related condition. Last evaluated: 2023-03-07. Review status: no assertion criteria provided. Collection method: clinical testing. Allele origin: germline. Not counted in ClinVar's aggregate classification.
Comment: This variant is classified as likely benign based on ACMG/AMP sequence variant interpretation guidelines (Richards et al. 2015 PMID: 25741868, with internal and published modifications).

NM_000785.4(CYP27B1):c.1057C>G (p.Pro353Ala)

Gene: CYP27B1 (cytochrome P450 family 27 subfamily B member 1; minus strand). Cytogenetic location: 12q14.1.
Variant type: single nucleotide variant.
Coding change: c.1057C>G on transcript NM_000785.4 (MANE Select); coding-DNA position 1057, C replaced by G.
Protein change: p.Pro353Ala; replaces proline 353 with alanine.
Molecular consequence: missense variant.
Genome position (GRCh38, 1-based): chr12:57,764,457, G>C on the plus strand (C>G on the coding strand, the complement: CYP27B1 is on the minus strand). VCF-style: chr12-57764457-G-C. GRCh37 (hg19) VCF-style: chr12-58158240-G-C.
Other names: short protein forms P353A.
Identifiers: ClinVar variation 309997 (VCV000309997.21), dbSNP rs151335249, ClinGen allele CA6658233.
Genomic context (GRCh38, chr12:57,764,457, plus strand): 5'-CCGCCTTCAGCAGGGGCAGCTGGGACAGAACAGTGGCTGAGGGGTAGGCACTGGAGCCAG[G>C]GCTCAGGGCAGCTGTGATCTCTGAGTGGAGTGCTGTCTGGACTTCGGGGTGCCGGGAGAG-3'
Protein context (NP_000776.1, residues 343-363): LHSEITAALS[Pro353Ala]GSSAYPSATV